The following is an entry in ClinVar:

ClinVar aggregate classification (germline): Uncertain significance (1 of 4 stars; one submission).

Conditions:
Hereditary cancer-predisposing syndrome. Also called: Hereditary Cancer Syndrome; Hereditary neoplastic syndrome; Neoplastic Syndromes, Hereditary; Tumor predisposition. Identifiers: Orphanet 140162, MedGen C0027672, MeSH D009386, MONDO:0015356.

Allele frequency attached by ClinVar (database versions not stated): gnomAD exomes below 0.00001.

Submission:

Ambry Genetics
Classification: Uncertain significance for Hereditary cancer-predisposing syndrome. Last evaluated: 2022-10-12. Review status: criteria provided, single submitter. Criteria: Ambry Variant Classification Scheme 2023. Collection method: clinical testing. Allele origin: germline.
Comment: The p.V313I variant (also known as c.937G>A), located in coding exon 10 of the POLE gene, results from a G to A substitution at nucleotide position 937. The valine at codon 313 is replaced by isoleucine, an amino acid with highly similar properties. This amino acid position is conserved. In addition, this alteration is predicted to be tolerated by in silico analysis. Since supporting evidence is limited at this time, the clinical significance of this alteration remains unclear.

NM_006231.4(POLE):c.937G>A (p.Val313Ile)

Gene: POLE (DNA polymerase epsilon, catalytic subunit; minus strand). Cytogenetic location: 12q24.33.
Variant type: single nucleotide variant.
Coding change: c.937G>A on transcript NM_006231.4 (MANE Select); coding-DNA position 937, G replaced by A.
Protein change: p.Val313Ile; replaces valine 313 with isoleucine.
Molecular consequence: missense variant.
Genome position (GRCh38, 1-based): chr12:132,676,177, C>T on the plus strand (G>A on the coding strand, the complement: POLE is on the minus strand). VCF-style: chr12-132676177-C-T. GRCh37 (hg19) VCF-style: chr12-133252763-C-T.
Other names: short protein forms V313I.
Identifiers: ClinVar variation 1766738 (VCV001766738.2), dbSNP rs2542167779, ClinGen allele CA387363868.
Genomic context (GRCh38, chr12:132,676,177, plus strand): 5'-AAAAGGGGCCTTCATATTCTGGCTTGGGGGTGAACTCAAAATCTTCAATATCTTCTGAAA[C>T]AATCTCCCTGTTGGTGATGAGGTAGCCCTAGCCAAGTTCATTAGCAATCAGCACAAGTCA-3'
Protein context (NP_006222.2, residues 303-323): QGYLITNREI[Val313Ile]SEDIEDFEFT